The following is an entry in ClinVar:

NM_007289.4(MME):c.157G>A (p.Asp53Asn)

Gene: MME (membrane metalloendopeptidase; plus strand). Cytogenetic location: 3q25.2.
Variant type: single nucleotide variant.
Coding change: c.157G>A on transcript NM_007289.4 (MANE Select); coding-DNA position 157, G replaced by A.
Protein change: p.Asp53Asn; replaces aspartic acid 53 with asparagine.
Molecular consequence: missense variant.
Genome position (GRCh38, 1-based): chr3:155,084,324, G>A. VCF-style: chr3-155084324-G-A. GRCh37 (hg19) VCF-style: chr3-154802113-G-A.
Other names: c.157G>A, p.Asp53Asn (NM_000902.5, NM_001354642.2, NM_001354643.1 and 3 more transcripts); short protein forms D53N.
Identifiers: ClinVar variation 1512273 (VCV001512273.5), dbSNP rs200215811, ClinGen allele CA2675021.

ClinVar aggregate classification (germline): Uncertain significance. Review status: criteria provided, multiple submitters, no conflicts (2 of 4 stars). 3 submissions from 3 submitters: Uncertain significance (3). Last evaluated 2024-06-02.

Conditions:
Inborn genetic diseases. Identifiers: MedGen C0950123, MeSH D030342.

Allele frequency attached by ClinVar (database versions not stated): TOPMed 0.00006; ESP Exome Variant Server 0.00008; gnomAD 0.00009; gnomAD exomes 0.00016 and 0.00018; ExAC 0.00017.

Submissions (3):

Ambry Genetics
Classification: Uncertain significance for Inborn genetic diseases. Last evaluated: 2024-06-02. Review status: criteria provided, single submitter. Criteria: Ambry Variant Classification Scheme 2023. Collection method: clinical testing. Allele origin: germline.

GeneDx
Classification: Uncertain significance. Last evaluated: 2022-06-16. Review status: criteria provided, single submitter. Criteria: GeneDx Variant Classification Process June 2021. Collection method: clinical testing. Allele origin: germline. Affected: yes.
Comment: In silico analysis supports that this missense variant does not alter protein structure/function; Has not been previously published as pathogenic or benign to our knowledge

Labcorp Genetics (formerly Invitae), Labcorp
Classification: Uncertain significance. Last evaluated: 2022-03-08. Review status: criteria provided, single submitter. Criteria: Invitae Variant Classification Sherloc (09022015). Collection method: clinical testing. Allele origin: germline.
Comment: This sequence change replaces aspartic acid, which is acidic and polar, with asparagine, which is neutral and polar, at codon 53 of the MME protein (p.Asp53Asn). This variant is present in population databases (rs200215811, gnomAD 0.1%). This variant has not been reported in the literature in individuals affected with MME-related conditions. Algorithms developed to predict the effect of missense changes on protein structure and function (SIFT, PolyPhen-2, Align-GVGD) all suggest that this variant is likely to be tolerated. In summary, the available evidence is currently insufficient to determine the role of this variant in disease. Therefore, it has been classified as a Variant of Uncertain Significance.